The following is an entry in ClinVar:

ClinVar aggregate classification (germline): Likely pathogenic (1 of 4 stars; one submission).

Conditions:
Joubert syndrome 23 (JBTS23). Identifiers: Orphanet 475, MedGen C4084822, MONDO:0014664, OMIM 616490.

Submission:

Greenwood Genetic Center Diagnostic Laboratories, Greenwood Genetic Center
Classification: Likely pathogenic for Joubert syndrome 23. Last evaluated: 2021-08-18. Review status: criteria provided, single submitter. Criteria: ACMG Guidelines, 2015. Collection method: clinical testing. Allele origin: germline. Affected: yes.
Comment: PVS1, PM2

NM_001329943.3(KIAA0586):c.1957C>T (p.Gln653Ter)

Gene: KIAA0586 (KIAA0586; plus strand). Cytogenetic location: 14q23.1.
Variant type: single nucleotide variant.
Coding change: c.1957C>T on transcript NM_001329943.3 (MANE Select); coding-DNA position 1957, C replaced by T.
Protein change: p.Gln653Ter; replaces glutamine 653 with a stop codon.
Molecular consequence: nonsense.
Genome position (GRCh38, 1-based): chr14:58,461,058, C>T. VCF-style: chr14-58461058-C-T. GRCh37 (hg19) VCF-style: chr14-58927776-C-T.
Other names: c.2116C>T, p.Gln706Ter (NM_001244189.2); c.1912C>T, p.Gln638Ter (NM_001244190.2); c.1702C>T, p.Gln568Ter (NM_001244191.2, NM_001329945.2, NM_001364700.1 and 1 more transcripts); c.1825C>T, p.Gln609Ter (NM_001244192.2); c.1537C>T, p.Gln513Ter (NM_001244193.2); c.1957C>T, p.Gln653Ter (NM_001329944.2, NM_001329946.2, NM_001329947.2); c.1729C>T, p.Gln577Ter (NM_014749.5); short protein forms Q513*, Q568*, Q577*, Q609*, Q638*, Q653*, Q706*.
Identifiers: ClinVar variation 1334542 (VCV001334542.4), dbSNP rs2140886548, ClinGen allele CA389872559.
Genomic context (GRCh38, chr14:58,461,058, plus strand): 5'-GCAACCACAGTAATACAAGATGAAGATTATATGTTACAAGTCTATGGAAAGCCAGTTTAT[C>T]AGGGCCATCGAAGCACTCTTAAAAAAGGACCATATCTCAGATTTAATTCTCCATCTCCTA-3'